The following is an entry in ClinVar:

NM_001105206.3(LAMA4):c.550T>C (p.Cys184Arg)

Gene: LAMA4 (laminin subunit alpha 4; minus strand). Cytogenetic location: 6q21.
Variant type: single nucleotide variant.
Coding change: c.550T>C on transcript NM_001105206.3 (MANE Select); coding-DNA position 550, T replaced by C.
Protein change: p.Cys184Arg; replaces cysteine 184 with arginine.
Molecular consequence: missense variant.
Genome position (GRCh38, 1-based): chr6:112,191,804, A>G on the plus strand (T>C on the coding strand, the complement: LAMA4 is on the minus strand). VCF-style: chr6-112191804-A-G. GRCh37 (hg19) VCF-style: chr6-112513006-A-G.
Other names: c.550T>C, p.Cys184Arg (NM_001105207.3, NM_002290.5); c.550T>C (NM_002290.3); short protein forms C184R.
Identifiers: ClinVar variation 581639 (VCV000581639.12), dbSNP rs759487426, ClinGen allele CA144885400.

ClinVar aggregate classification (germline): Uncertain significance. Review status: criteria provided, multiple submitters, no conflicts (2 of 4 stars). 2 submissions from 2 submitters: Uncertain significance (2). Last evaluated 2025-10-02.

Conditions:
Cardiovascular phenotype. Identifiers: MedGen CN230736.
Dilated cardiomyopathy 1JJ (CMD1JJ). Identifiers: Orphanet 154, MedGen C3808935, MONDO:0014095, OMIM 615235.

Allele frequency attached by ClinVar (database versions not stated): TOPMed 0.00001.
gnomAD v4.1: 10 of 1,614,128 alleles (0.00062%); highest among the groups gnomAD compares: Non-Finnish European, 0.00085%; no homozygotes.

Submissions (2):

Labcorp Genetics (formerly Invitae), Labcorp
Classification: Uncertain significance for Dilated cardiomyopathy 1JJ. Last evaluated: 2025-10-02. Review status: criteria provided, single submitter. Criteria: Invitae Variant Classification Sherloc (09022015). Collection method: clinical testing. Allele origin: germline.
Comment: This sequence change replaces cysteine, which is neutral and slightly polar, with arginine, which is basic and polar, at codon 184 of the LAMA4 protein (p.Cys184Arg). This variant is not present in population databases (gnomAD no frequency). This variant has not been reported in the literature in individuals affected with LAMA4-related conditions. ClinVar contains an entry for this variant (Variation ID: 581639). Invitae Evidence Modeling of protein sequence and biophysical properties (such as structural, functional, and spatial information, amino acid conservation, physicochemical variation, residue mobility, and thermodynamic stability) indicates that this missense variant is expected to disrupt LAMA4 protein function with a positive predictive value of 80%. In summary, the available evidence is currently insufficient to determine the role of this variant in disease. Therefore, it has been classified as a Variant of Uncertain Significance.

Ambry Genetics
Classification: Uncertain significance for Cardiovascular phenotype. Last evaluated: 2023-06-28. Review status: criteria provided, single submitter. Criteria: Ambry Variant Classification Scheme 2023. Collection method: clinical testing. Allele origin: germline.
Comment: The p.C184R variant (also known as c.550T>C), located in coding exon 5 of the LAMA4 gene, results from a T to C substitution at nucleotide position 550. The cysteine at codon 184 is replaced by arginine, an amino acid with highly dissimilar properties. This amino acid position is conserved. In addition, this alteration is predicted to be deleterious by in silico analysis. Since supporting evidence is limited at this time, the clinical significance of this alteration remains unclear.